The following is an entry in ClinVar:

ClinVar aggregate classification (germline): Uncertain significance. Review status: criteria provided, multiple submitters, no conflicts (2 of 4 stars). 2 submissions from 2 submitters: Uncertain significance (2). Last evaluated 2025-03-22.

Conditions:
DICER1-related tumor predisposition. Also called: DICER1 syndrome; DICER1-related pleuropulmonary blastoma cancer predisposition syndrome. Identifiers: Orphanet 284343, MedGen C3839822, MONDO:0100216.
Hereditary cancer-predisposing syndrome. Also called: Tumor predisposition; Hereditary Cancer Syndrome; Neoplastic Syndromes, Hereditary; Hereditary neoplastic syndrome. Identifiers: Orphanet 140162, MedGen C0027672, MeSH D009386, MONDO:0015356.

Submissions (2):

Ambry Genetics
Classification: Uncertain significance for Hereditary cancer-predisposing syndrome. Last evaluated: 2025-03-22. Review status: criteria provided, single submitter. Criteria: Ambry Variant Classification Scheme 2023. Collection method: clinical testing. Allele origin: germline.
Comment: The p.E1800D variant (also known as c.5400G>C), located in coding exon 24 of the DICER1 gene, results from a G to C substitution at nucleotide position 5400. The glutamic acid at codon 1800 is replaced by aspartic acid, an amino acid with highly similar properties. This amino acid position is conserved. In addition, the in silico prediction for this alteration is inconclusive. Based on the available evidence, the clinical significance of this variant remains unclear.

Labcorp Genetics (formerly Invitae), Labcorp
Classification: Uncertain significance for DICER1-related tumor predisposition. Last evaluated: 2023-06-16. Review status: criteria provided, single submitter. Criteria: Invitae Variant Classification Sherloc (09022015). Collection method: clinical testing. Allele origin: germline.
Comment: This variant has not been reported in the literature in individuals affected with DICER1-related conditions. This variant is not present in population databases (gnomAD no frequency). In summary, the available evidence is currently insufficient to determine the role of this variant in disease. Therefore, it has been classified as a Variant of Uncertain Significance. An algorithm developed to predict the effect of missense changes on protein structure and function (PolyPhen-2) suggests that this variant is likely to be disruptive. This sequence change replaces glutamic acid, which is acidic and polar, with aspartic acid, which is acidic and polar, at codon 1800 of the DICER1 protein (p.Glu1800Asp).

NM_177438.3(DICER1):c.5400G>C (p.Glu1800Asp)

Gene: DICER1 (dicer 1, ribonuclease III; minus strand). Cytogenetic location: 14q32.13.
Variant type: single nucleotide variant.
Coding change: c.5400G>C on transcript NM_177438.3 (MANE Select); coding-DNA position 5400, G replaced by C.
Protein change: p.Glu1800Asp; replaces glutamic acid 1800 with aspartic acid.
Molecular consequence: missense variant. On other transcripts: non-coding transcript variant (6), intron variant (1).
Genome position (GRCh38, 1-based): chr14:95,091,330, C>G on the plus strand (G>C on the coding strand, the complement: DICER1 is on the minus strand). VCF-style: chr14-95091330-C-G. GRCh37 (hg19) VCF-style: chr14-95557667-C-G.
Other names: c.4995G>C, p.Glu1665Asp (NM_001395689.1, NM_001395690.1, NM_001395687.1 and 1 more transcripts); c.4833G>C, p.Glu1611Asp (NM_001395691.1); c.3717G>C, p.Glu1239Asp (NM_001395697.1); c.5400G>C, p.Glu1800Asp (NM_030621.4, NM_001271282.3, NM_001291628.2 and 8 more transcripts); c.5365-221G>C (NM_001195573.1); c.5118G>C, p.Glu1706Asp (NM_001395686.1); short protein forms E1239D, E1800D, E1611D, E1665D, E1706D.
Identifiers: ClinVar variation 2959958 (VCV002959958.4), dbSNP rs958434315, ClinGen allele CA265895062.
Genomic context (GRCh38, chr14:95,091,330, plus strand): 5'-GTAAATGGCACCAGCAAGCGACTCAAAAATATCCCCCATGGCCTTTGGAACTTCAATATC[C>G]TCTTCTTTCTCTTCATCCTCCTCAGATCTCCTAAGCTATTACAGAGGGAAAAGTGACTTG-3'
Protein context (NP_803187.1, residues 1790-1810): RRSEEDEEKE[Glu1800Asp]DIEVPKAMGD